The following is an entry in ClinVar:

NM_020937.4(FANCM):c.4133A>G (p.Asn1378Ser)

Gene: FANCM (FA complementation group M; plus strand). Cytogenetic location: 14q21.2.
Variant type: single nucleotide variant.
Coding change: c.4133A>G on transcript NM_020937.4 (MANE Select); coding-DNA position 4133, A replaced by G.
Protein change: p.Asn1378Ser; replaces asparagine 1378 with serine.
Molecular consequence: missense variant.
Genome position (GRCh38, 1-based): chr14:45,176,887, A>G. VCF-style: chr14-45176887-A-G. GRCh37 (hg19) VCF-style: chr14-45646090-A-G.
Other names: c.4055A>G, p.Asn1352Ser (NM_001308133.2); short protein forms N1352S, N1378S.
Identifiers: ClinVar variation 4871111 (VCV004871111.1).

ClinVar aggregate classification (germline): Uncertain significance (1 of 4 stars; one submission).

Conditions:
Inborn genetic diseases. Identifiers: MedGen C0950123, MeSH D030342.

gnomAD v4.1: 1 of 1,611,548 alleles (0.000062%); highest among the groups gnomAD compares: Non-Finnish European, 0.000085%; no homozygotes.

Submission:

Ambry Genetics
Classification: Uncertain significance for Inborn genetic diseases. Last evaluated: 2026-04-28. Review status: criteria provided, single submitter. Criteria: Ambry Variant Classification Scheme 2023. Collection method: clinical testing. Allele origin: germline.
Comment: The p.N1378S variant (also known as c.4133A>G), located in coding exon 14 of the FANCM gene, results from an A to G substitution at nucleotide position 4133. The asparagine at codon 1378 is replaced by serine, an amino acid with highly similar properties. This amino acid position is conserved. In addition, this alteration is predicted to be tolerated by in silico analysis. Based on the available evidence, the clinical significance of this variant remains unclear.